The following is an entry in ClinVar:

NM_000075.4(CDK4):c.316A>C (p.Lys106Gln)

Gene: CDK4 (cyclin dependent kinase 4; minus strand). Cytogenetic location: 12q14.1.
Variant type: single nucleotide variant.
Coding change: c.316A>C on transcript NM_000075.4 (MANE Select); coding-DNA position 316, A replaced by C.
Protein change: p.Lys106Gln; replaces lysine 106 with glutamine.
Molecular consequence: missense variant.
Genome position (GRCh38, 1-based): chr12:57,751,245, T>G on the plus strand (A>C on the coding strand, the complement: CDK4 is on the minus strand). VCF-style: chr12-57751245-T-G. GRCh37 (hg19) VCF-style: chr12-58145028-T-G.
Other names: short protein forms K106Q.
Identifiers: ClinVar variation 823058 (VCV000823058.4), dbSNP rs1595110711, ClinGen allele CA385547723.

ClinVar aggregate classification (germline): Uncertain significance (1 of 4 stars; one submission).

Conditions:
Hereditary cancer-predisposing syndrome. Also called: Tumor predisposition; Hereditary Cancer Syndrome; Neoplastic Syndromes, Hereditary; Hereditary neoplastic syndrome. Identifiers: Orphanet 140162, MedGen C0027672, MeSH D009386, MONDO:0015356.

Submission:

Ambry Genetics
Classification: Uncertain significance for Hereditary cancer-predisposing syndrome. Last evaluated: 2018-10-12. Review status: criteria provided, single submitter. Criteria: Ambry Variant Classification Scheme 2023. Collection method: clinical testing. Allele origin: germline.
Comment: The p.K106Q variant (also known as c.316A>C), located in coding exon 2 of the CDK4 gene, results from an A to C substitution at nucleotide position 316. The lysine at codon 106 is replaced by glutamine, an amino acid with similar properties. This amino acid position is well conserved in available vertebrate species. In addition, this alteration is predicted to be tolerated by in silico analysis. Since supporting evidence is limited at this time, the clinical significance of this alteration remains unclear.